The following is an entry in ClinVar:

ClinVar aggregate classification (germline): Uncertain significance (1 of 4 stars; one submission).

Conditions:
Parkinsonism with polyneuropathy. Identifiers: Orphanet 611237, MedGen C5543299, MONDO:0036193, OMIM 619279.

Submission:

Institute of Human Genetics, University of Leipzig Medical Center
Classification: Uncertain significance for Parkinsonism with polyneuropathy. Last evaluated: 2026-05-18. Review status: criteria provided, single submitter. Criteria: ACMG Guidelines, 2015. Collection method: clinical testing. Allele origin: unknown. Affected: yes.
Comment: Criteria applied: PM2

NM_003365.3(UQCRC1):c.1230_1231del (p.Cys410_Glu411delinsTer)

Gene: UQCRC1 (ubiquinol-cytochrome c reductase core protein 1; minus strand). Cytogenetic location: 3p21.31.
Variant type: Microsatellite.
Coding change: c.1230_1231del on transcript NM_003365.3 (MANE Select); coding-DNA positions 1230 to 1231, 2 bases deleted (TG; older notation c.1230_1231delTG).
Protein change: p.Cys410_Glu411delinsTer.
Molecular consequence: nonsense.
Genome position (GRCh38, 1-based): chr3:48,600,134-48,600,135, CA deleted on the plus strand (TG on the coding strand, the reverse complement: UQCRC1 is on the minus strand); deleting any 2 consecutive bases within chr3:48,600,134-48,600,141 gives the same sequence; the c. name uses the placement nearest the transcript's 3' end. VCF-style (leftmost placement, unchanged base first): chr3-48600133-TCA-T. GRCh37 (hg19) VCF-style: chr3-48637566-TCA-T.
Identifiers: ClinVar variation 4857440 (VCV004857440.1).